The following is an entry in ClinVar:

ClinVar aggregate classification (germline): Uncertain significance (1 of 4 stars; one submission).

Conditions:
Neurodevelopmental disorder with or without variable brain abnormalities; NEDBA. Also called: NEURODEVELOPMENTAL DISORDER WITH OR WITHOUT VARIABLE BRAIN ABNORMALITIES. Identifiers: MedGen C5193102, MONDO:0032755, OMIM 618443.

gnomAD v4.1: 1 of 1,582,852 alleles (0.000063%); highest among the groups gnomAD compares: African/African-American, 0.0013%; no homozygotes.

Submission:

Laboratorio de Genetica e Diagnostico Molecular, Hospital Israelita Albert Einstein
Classification: Uncertain significance for Neurodevelopmental disorder with or without variable brain abnormalities; NEDBA. Last evaluated: 2024-07-26. Review status: criteria provided, single submitter. Criteria: ACMG Guidelines, 2015. Collection method: clinical testing. Allele origin: germline. Affected: yes.
Comment: ACMG classification criteria: PM2 supporting, PP2 supporting, BP4 supporting

NM_001318852.2(MAPK8IP3):c.2177C>T (p.Ala726Val)

Gene: MAPK8IP3 (mitogen-activated protein kinase 8 interacting protein 3; plus strand). Cytogenetic location: 16p13.3.
Variant type: single nucleotide variant.
Coding change: c.2177C>T on transcript NM_001318852.2 (MANE Select); coding-DNA position 2177, C replaced by T.
Protein change: p.Ala726Val; replaces alanine 726 with valine.
Molecular consequence: missense variant.
Genome position (GRCh38, 1-based): chr16:1,764,356, C>T. VCF-style: chr16-1764356-C-T. GRCh37 (hg19) VCF-style: chr16-1814357-C-T.
Other names: c.2156C>T, p.Ala719Val (NM_001040439.2); c.2174C>T, p.Ala725Val (NM_015133.5); short protein forms A719V, A725V, A726V.
Identifiers: ClinVar variation 4056598 (VCV004056598.1).